The following is an entry in ClinVar:

NM_001903.5(CTNNA1):c.167A>T (p.Lys56Met)

Gene: CTNNA1 (catenin alpha 1; plus strand). Cytogenetic location: 5q31.2.
Variant type: single nucleotide variant.
Coding change: c.167A>T on transcript NM_001903.5 (MANE Select); coding-DNA position 167, A replaced by T.
Protein change: p.Lys56Met; replaces lysine 56 with methionine.
Molecular consequence: missense variant. On other transcripts: 5 prime UTR variant (1), intron variant (1).
Genome position (GRCh38, 1-based): chr5:138,783,238, A>T. VCF-style: chr5-138783238-A-T. GRCh37 (hg19) VCF-style: chr5-138118927-A-T.
Other names: c.167A>T, p.Lys56Met (NM_001290307.3, NM_001323982.2, NM_001323983.1 and 3 more transcripts); c.-40A>T (NM_001290310.3); c.-9+1209A>T (NM_001290309.3); c.167A>T (NM_001903.2); short protein forms K56M.
Identifiers: ClinVar variation 3381608 (VCV003381608.2).
Genomic context (GRCh38, chr5:138,783,238, plus strand): 5'-TTACAACCCTTGTAAACACCAATAGTAAAGGGCCCTCTAATAAGAAGAGAGGTCGTTCTA[A>T]GAAGGCCCATGTTTTGGCTGCATCTGTTGAACAAGCAACTGAGAATTTCTTGGAGAAGGG-3'
Protein context (NP_001894.2, residues 46-66): GPSNKKRGRS[Lys56Met]KAHVLAASVE

ClinVar aggregate classification (germline): Uncertain significance. Review status: criteria provided, multiple submitters, no conflicts (2 of 4 stars). 2 submissions from 2 submitters: Uncertain significance (2). Last evaluated 2025-03-17.

Conditions:
Hereditary cancer-predisposing syndrome. Also called: Neoplastic Syndromes, Hereditary; Tumor predisposition; Hereditary Cancer Syndrome; Hereditary neoplastic syndrome. Identifiers: Orphanet 140162, MedGen C0027672, MeSH D009386, MONDO:0015356.

gnomAD v4.1: 1 of 1,614,162 alleles (0.000062%); highest among the groups gnomAD compares: African/African-American, 0.0013%; no homozygotes.

Submissions (2):

Ambry Genetics
Classification: Uncertain significance for Hereditary cancer-predisposing syndrome. Last evaluated: 2025-03-17. Review status: criteria provided, single submitter. Criteria: Ambry Variant Classification Scheme 2023. Collection method: clinical testing. Allele origin: germline.
Comment: The p.K56M variant (also known as c.167A>T), located in coding exon 2 of the CTNNA1 gene, results from an A to T substitution at nucleotide position 167. The lysine at codon 56 is replaced by methionine, an amino acid with similar properties. This amino acid position is conserved. In addition, the in silico prediction for this alteration is inconclusive. Based on the available evidence, the clinical significance of this variant remains unclear.

GeneDx
Classification: Uncertain significance. Last evaluated: 2024-05-20. Review status: criteria provided, single submitter. Criteria: GeneDx Variant Classification Process June 2021. Collection method: clinical testing. Allele origin: germline. Affected: yes.
Comment: In silico analysis supports that this missense variant has a deleterious effect on protein structure/function; Has not been previously published as pathogenic or benign to our knowledge